The following is an entry in ClinVar:

NM_024675.4(PALB2):c.2759T>G (p.Leu920Ter)

Gene: PALB2 (partner and localizer of BRCA2; minus strand). Cytogenetic location: 16p12.2.
Variant type: single nucleotide variant.
Coding change: c.2759T>G on transcript NM_024675.4 (MANE Select); coding-DNA position 2759, T replaced by G.
Protein change: p.Leu920Ter; replaces leucine 920 with a stop codon.
Molecular consequence: nonsense.
Genome position (GRCh38, 1-based): chr16:23,624,084, A>C on the plus strand (T>G on the coding strand, the complement: PALB2 is on the minus strand). VCF-style: chr16-23624084-A-C. GRCh37 (hg19) VCF-style: chr16-23635405-A-C.
Other names: short protein forms L920*.
Identifiers: ClinVar variation 632929 (VCV000632929.12), dbSNP rs1567214493, ClinGen allele CA395145235.

ClinVar aggregate classification (germline): Pathogenic/Likely pathogenic. Review status: criteria provided, multiple submitters, no conflicts (2 of 4 stars). 4 submissions from 4 submitters: Pathogenic (3); Likely pathogenic (1). Last evaluated 2025-10-01.

Conditions:
Hereditary cancer-predisposing syndrome. Also called: Neoplastic Syndromes, Hereditary; Tumor predisposition; Hereditary neoplastic syndrome; Hereditary Cancer Syndrome. Identifiers: Orphanet 140162, MedGen C0027672, MeSH D009386, MONDO:0015356.
Fanconi anemia complementation group N. Also called: PALB2-Related Fanconi Anemia. Identifiers: Orphanet 84, MedGen C1835817, MONDO:0012565, OMIM 610832. Disease mechanism: loss of function.
Familial cancer of breast. Also called: Hereditary breast cancer; BREAST CANCER, FAMILIAL; hereditary breast carcinoma. Identifiers: Orphanet 227535, MedGen C0346153, MONDO:0016419, OMIM 114480. Disease mechanism: loss of function.

Submissions (4):

Labcorp Genetics (formerly Invitae), Labcorp
Classification: Pathogenic for Familial cancer of breast. Last evaluated: 2025-10-01. Review status: criteria provided, single submitter. Criteria: Invitae Variant Classification Sherloc (09022015). Collection method: clinical testing. Allele origin: germline.
Comment: This sequence change creates a premature translational stop signal (p.Leu920*) in the PALB2 gene. It is expected to result in an absent or disrupted protein product. Loss-of-function variants in PALB2 are known to be pathogenic (PMID: 17200668, 17200671, 17200672, 24136930, 25099575). This variant is not present in population databases (gnomAD no frequency). This variant has not been reported in the literature in individuals affected with PALB2-related conditions. ClinVar contains an entry for this variant (Variation ID: 632929). Algorithms developed to predict the effect of sequence changes on RNA splicing suggest that this variant may disrupt the consensus splice site. For these reasons, this variant has been classified as Pathogenic.

Myriad Genetics, Inc.
Classification: Pathogenic for Familial cancer of breast. Last evaluated: 2023-09-13. Review status: criteria provided, single submitter. Criteria: Myriad Autosomal Dominant, Autosomal Recessive and X-Linked Classification Criteria (2023). Collection method: clinical testing. Allele origin: unknown.
Comment: This variant is considered pathogenic. This variant creates a termination codon and is predicted to result in premature protein truncation.

Ambry Genetics
Classification: Pathogenic for Hereditary cancer-predisposing syndrome. Last evaluated: 2022-07-28. Review status: criteria provided, single submitter. Criteria: Ambry Variant Classification Scheme 2023. Collection method: clinical testing. Allele origin: germline.
Comment: The p.L920* pathogenic mutation (also known as c.2759T>G), located in coding exon 8 of the PALB2 gene, results from a T to G substitution at nucleotide position 2759. This changes the amino acid from a leucine to a stop codon within coding exon 8. This variant is considered to be rare based on population cohorts in the Genome Aggregation Database (gnomAD). This alteration is expected to result in loss of function by premature protein truncation or nonsense-mediated mRNA decay. As such, this alteration is interpreted as a disease-causing mutation.

Women's Health and Genetics/Laboratory Corporation of America, LabCorp
Classification: Likely pathogenic for Familial cancer of breast. Last evaluated: 2018-10-29. Review status: criteria provided, single submitter. Criteria: LabCorp Variant Classification Summary - May 2015. Collection method: clinical testing. Allele origin: germline.
Comment: Variant summary: PALB2 c.2759T>G (p.Leu920X) results in a premature termination codon, predicted to cause a truncation of the encoded protein or absence of the protein due to nonsense mediated decay, which are commonly known mechanisms for disease. Truncations downstream of this position have been classified as pathogenic by our laboratory (e.g. c.2920_2921delAA (p.Lys974fsX5), c.3113G>A (p.Trp1038X), c.3323delA (p.Tyr1108fsX16)). The variant was absent in 244700 control chromosomes (gnomAD). To our knowledge, no occurrence of c.2759T>G in individuals affected with Hereditary Breast and Ovarian Cancer and no experimental evidence demonstrating its impact on protein function have been reported. No clinical diagnostic laboratories have submitted clinical-significance assessments for this variant to ClinVar after 2014. Based on the evidence outlined above, the variant was classified as likely pathogenic.

Literature cited by the submitters: PubMed 17200668 (cited by Labcorp Genetics (formerly Invitae), Labcorp); PubMed 17200671 (cited by Labcorp Genetics (formerly Invitae), Labcorp); PubMed 17200672 (cited by Labcorp Genetics (formerly Invitae), Labcorp); PubMed 24136930 (cited by Labcorp Genetics (formerly Invitae), Labcorp); PubMed 25099575 (cited by Labcorp Genetics (formerly Invitae), Labcorp).